The following is an entry in ClinVar:

NM_024120.5(NDUFAF5):c.263+1G>C

Gene: NDUFAF5 (NADH:ubiquinone oxidoreductase complex assembly factor 5; plus strand). Cytogenetic location: 20p12.1.
Variant type: single nucleotide variant.
Coding change: c.263+1G>C on transcript NM_024120.5 (MANE Select); the canonical splice donor site of the intron after coding-DNA position 263, G replaced by C.
Molecular consequence: splice donor variant.
Genome position (GRCh38, 1-based): chr20:13,787,353, G>C. VCF-style: chr20-13787353-G-C. GRCh37 (hg19) VCF-style: chr20-13767999-G-C.
Other names: c.-299+1G>C (NM_001352407.2); c.-319+1G>C (NM_001352406.2); c.263+1G>C (NM_001039375.3, NM_001352408.2); c.-105+1G>C (NM_001352403.2).
Identifiers: ClinVar variation 2039861 (VCV002039861.4), dbSNP rs779145014, ClinGen allele CA408282601.

ClinVar aggregate classification (germline): Likely pathogenic (1 of 4 stars; one submission).

Submission:

Labcorp Genetics (formerly Invitae), Labcorp
Classification: Likely pathogenic. Last evaluated: 2022-01-28. Review status: criteria provided, single submitter. Criteria: Invitae Variant Classification Sherloc (09022015). Collection method: clinical testing. Allele origin: germline.
Comment: In summary, the currently available evidence indicates that the variant is pathogenic, but additional data are needed to prove that conclusively. Therefore, this variant has been classified as Likely Pathogenic. Algorithms developed to predict the effect of sequence changes on RNA splicing suggest that this variant may disrupt the consensus splice site. This variant has not been reported in the literature in individuals affected with NDUFAF5-related conditions. This variant is not present in population databases (gnomAD no frequency). This sequence change affects a donor splice site in intron 2 of the NDUFAF5 gene. It is expected to disrupt RNA splicing. Variants that disrupt the donor or acceptor splice site typically lead to a loss of protein function (PMID: 16199547), and loss-of-function variants in NDUFAF5 are known to be pathogenic (PMID: 26275793, 30473481, 32918965).

Literature cited by the submitters: PubMed 16199547; PubMed 26275793; PubMed 30473481; PubMed 32918965.